The following is an entry in ClinVar:

NM_006031.6(PCNT):c.2645T>G (p.Phe882Cys)

Gene: PCNT (pericentrin; plus strand). Cytogenetic location: 21q22.3.
Variant type: single nucleotide variant.
Coding change: c.2645T>G on transcript NM_006031.6 (MANE Select); coding-DNA position 2645, T replaced by G.
Protein change: p.Phe882Cys; replaces phenylalanine 882 with cysteine.
Molecular consequence: missense variant.
Genome position (GRCh38, 1-based): chr21:46,366,619, T>G. VCF-style: chr21-46366619-T-G. GRCh37 (hg19) VCF-style: chr21-47786534-T-G.
Other names: c.2291T>G, p.Phe764Cys (NM_001315529.2); c.2645T>G (NM_006031.5); short protein forms F882C, F764C.
Identifiers: ClinVar variation 1469281 (VCV001469281.7), dbSNP rs778799946, ClinGen allele CA10079059.

ClinVar aggregate classification (germline): Uncertain significance. Review status: criteria provided, single submitter (1 of 4 stars). 2 submissions from 2 submitters: Uncertain significance (1). 1 of the submissions does not count toward it. Last evaluated 2022-05-14.

Conditions:
PCNT-related disorder. Also called: PCNT-related condition.

Allele frequency attached by ClinVar (database versions not stated): TOPMed below 0.00001; gnomAD 0.00001.
gnomAD v4.1: 4 of 1,613,854 alleles (0.00025%); highest among the groups gnomAD compares: Admixed American, 0.005%; no homozygotes.

Submissions (2):

Labcorp Genetics (formerly Invitae), Labcorp
Classification: Uncertain significance. Last evaluated: 2022-05-14. Review status: criteria provided, single submitter. Criteria: Invitae Variant Classification Sherloc (09022015). Collection method: clinical testing. Allele origin: germline.
Comment: This sequence change replaces phenylalanine, which is neutral and non-polar, with cysteine, which is neutral and slightly polar, at codon 882 of the PCNT protein (p.Phe882Cys). This variant is present in population databases (rs778799946, gnomAD 0.006%). This variant has not been reported in the literature in individuals affected with PCNT-related conditions. Algorithms developed to predict the effect of missense changes on protein structure and function (SIFT, PolyPhen-2, Align-GVGD) all suggest that this variant is likely to be disruptive. In summary, the available evidence is currently insufficient to determine the role of this variant in disease. Therefore, it has been classified as a Variant of Uncertain Significance.

PreventionGenetics, part of Exact Sciences
Classification: Uncertain significance for PCNT-related condition. Last evaluated: 2023-12-26. Review status: no assertion criteria provided. Collection method: clinical testing. Allele origin: germline. Not counted in ClinVar's aggregate classification.
Comment: The PCNT c.2645T>G variant is predicted to result in the amino acid substitution p.Phe882Cys. To our knowledge, this variant has not been reported in the literature. This variant is reported in 0.0058% of alleles in individuals of Latino descent in gnomAD. At this time, the clinical significance of this variant is uncertain due to the absence of conclusive functional and genetic evidence.